The following is an entry in ClinVar:

NM_002474.3(MYH11):c.70C>G (p.Pro24Ala)

Gene: MYH11 (myosin heavy chain 11; minus strand). Cytogenetic location: 16p13.11.
Variant type: single nucleotide variant.
Coding change: c.70C>G on transcript NM_002474.3 (MANE Select); coding-DNA position 70, C replaced by G.
Protein change: p.Pro24Ala; replaces proline 24 with alanine.
Molecular consequence: missense variant.
Genome position (GRCh38, 1-based): chr16:15,838,183, G>C on the plus strand (C>G on the coding strand, the complement: MYH11 is on the minus strand). VCF-style: chr16-15838183-G-C. GRCh37 (hg19) VCF-style: chr16-15932040-G-C.
Other names: c.70C>G, p.Pro24Ala (NM_001040113.2, NM_001040114.2, NM_022844.3); short protein forms P24A.
Identifiers: ClinVar variation 577468 (VCV000577468.13), dbSNP rs752441599, ClinGen allele CA7923124.
Genomic context (GRCh38, chr16:15,838,183, plus strand): 5'-CCTGCTTCTCCGAGGGGACCCAGACGAGTCTCTTGGCGGCCCAGTCAGCCTGGGCCACTG[G>C]GCTGTTGATGAAGTTTTTGTCCACAAAGAGGAACTTCTCATCGTCACTGAGTTGGCCCTT-3'
Protein context (NP_002465.1, residues 14-34): LFVDKNFINS[Pro24Ala]VAQADWAAKR

ClinVar aggregate classification (germline): Uncertain significance. Review status: criteria provided, multiple submitters, no conflicts (2 of 4 stars). 5 submissions from 5 submitters: Uncertain significance (5). Last evaluated 2025-11-19.

Conditions:
Aortic aneurysm, familial thoracic 4 (AAT4). Also called: AORTIC ANEURYSM/AORTIC DISSECTION AND PATENT DUCTUS ARTERIOSUS. Identifiers: MedGen C1851504, MONDO:0007568, OMIM 132900.
Visceral myopathy 2. Identifiers: MedGen C5543466, MONDO:0859157, OMIM 619350.
Megacystis-microcolon-intestinal hypoperistalsis syndrome 2. Identifiers: MedGen C5543476, MONDO:0025708, OMIM 619351.
Familial thoracic aortic aneurysm and aortic dissection (TAAD). Also called: Thoracic aortic aneurysms and dissections. Identifiers: Orphanet 91387, MedGen C4707243, MONDO:0019625.

Allele frequency attached by ClinVar (database versions not stated): gnomAD exomes below 0.00001 and 0.00001; TOPMed below 0.00001; ExAC 0.00001.
gnomAD v4.1: 18 of 1,614,096 alleles (0.0011%); highest among the groups gnomAD compares: Middle Eastern, 0.016%; no homozygotes.

Submissions (5):

Labcorp Genetics (formerly Invitae), Labcorp
Classification: Uncertain significance for Aortic aneurysm, familial thoracic 4. Last evaluated: 2025-11-19. Review status: criteria provided, single submitter. Criteria: Invitae Variant Classification Sherloc (09022015). Collection method: clinical testing. Allele origin: germline.
Comment: This sequence change replaces proline, which is neutral and non-polar, with alanine, which is neutral and non-polar, at codon 24 of the MYH11 protein (p.Pro24Ala). This variant is not present in population databases (gnomAD no frequency). This variant has not been reported in the literature in individuals affected with MYH11-related conditions. ClinVar contains an entry for this variant (Variation ID: 577468). Invitae Evidence Modeling of protein sequence and biophysical properties (such as structural, functional, and spatial information, amino acid conservation, physicochemical variation, residue mobility, and thermodynamic stability) indicates that this missense variant is not expected to disrupt MYH11 protein function with a negative predictive value of 95%. In summary, the available evidence is currently insufficient to determine the role of this variant in disease. Therefore, it has been classified as a Variant of Uncertain Significance.

Color Diagnostics, LLC DBA Color Health
Classification: Uncertain significance for Familial thoracic aortic aneurysm and aortic dissection. Last evaluated: 2025-10-03. Review status: criteria provided, single submitter. Criteria: ACMG Guidelines, 2015. Collection method: clinical testing. Allele origin: germline.
Comment: This missense variant replaces proline with alanine at codon 24 of the MYH11 protein. Computational prediction suggests that this variant may not impact protein structure and function. To our knowledge, functional studies have not been reported for this variant. This variant has not been reported in individuals affected with MYH11-related disorders in the literature. This variant has been identified in 1/250132 chromosomes in the general population by the Genome Aggregation Database (gnomAD). The available evidence is insufficient to determine the role of this variant in disease conclusively. Therefore, this variant is classified as a Variant of Uncertain Significance.

Ambry Genetics
Classification: Uncertain significance for Familial thoracic aortic aneurysm and aortic dissection. Last evaluated: 2025-06-20. Review status: criteria provided, single submitter. Criteria: Ambry Variant Classification Scheme 2023. Collection method: clinical testing. Allele origin: germline.
Comment: The p.P24A variant (also known as c.70C>G), located in coding exon 1 of the MYH11 gene, results from a C to G substitution at nucleotide position 70. The proline at codon 24 is replaced by alanine, an amino acid with highly similar properties. This amino acid position is conserved. In addition, the in silico prediction for this alteration is inconclusive. Since supporting evidence is limited at this time, the clinical significance of this alteration remains unclear.

All of Us Research Program, National Institutes of Health
Classification: Uncertain significance for Familial thoracic aortic aneurysm and aortic dissection. Last evaluated: 2023-12-07. Review status: criteria provided, single submitter. Criteria: ACMG Guidelines, 2015. Collection method: clinical testing. Allele origin: germline. Inheritance: Autosomal dominant inheritance. Observed: 3 variant alleles, 3 heterozygotes.
Comment: This missense variant replaces proline with alanine at codon 24 of the MYH11 protein. Computational prediction suggests that this variant may not impact protein structure and function (internally defined REVEL score threshold <= 0.5, PMID: 27666373). To our knowledge, functional studies have not been reported for this variant. This variant has not been reported in individuals affected with MYH11-related disorders in the literature. This variant has been identified in 1/250132 chromosomes in the general population by the Genome Aggregation Database (gnomAD). The available evidence is insufficient to determine the role of this variant in disease conclusively. Therefore, this variant is classified as a Variant of Uncertain Significance.

This study involves interpretation of variants in research participants for the purpose of population health screening. Participant phenotype was not available at the time of variant classification. Additional details can be found in publication PMID: 35346344, PMCID: PMC8962531

Fulgent Genetics
Classification: Uncertain significance for Aortic aneurysm, familial thoracic 4; Visceral myopathy 2; Megacystis-microcolon-intestinal hypoperistalsis syndrome 2. Last evaluated: 2021-09-28. Review status: criteria provided, single submitter. Criteria: ACMG Guidelines, 2015. Collection method: clinical testing. Allele origin: unknown.